The following is an entry in ClinVar:

NM_001367805.3(KIF23):c.11+8C>A

Genes: KIF23 (kinesin family member 23; plus strand), KIF23-AS1 (KIF23 and PAQR5 antisense RNA 1; minus strand). Cytogenetic location: 15q23.
Variant type: single nucleotide variant.
Coding change: c.11+8C>A on transcript NM_001367805.3 (MANE Select); 8 bases into the intron after coding-DNA position 11, C replaced by A.
Molecular consequence: intron variant. On other transcripts: non-coding transcript variant (3).
Genome position (GRCh38, 1-based): chr15:69,414,484, C>A. VCF-style: chr15-69414484-C-A. GRCh37 (hg19) VCF-style: chr15-69706823-C-A.
Other names: c.11+8C>A (NM_138555.4, NM_001367804.2, NM_004856.7); c.-183+8C>A (NM_001281301.2).
Identifiers: ClinVar variation 2005908 (VCV002005908.4), dbSNP rs2548703190, ClinGen allele CA490978113.
Genomic context (GRCh38, chr15:69,414,484, plus strand): 5'-GCCGTCCCGCATGCGCGTTTGGGCGGCGTGGAGCCTGCTGCCATGAAGTCAGCGTGAGTA[C>A]GAGGCCGCCGAGCAGGGAGAGAGGGCGGACGGGGGCCGAGGCCTCGGGGCTGGGGGCAGG-3'

ClinVar aggregate classification (germline): Uncertain significance (1 of 4 stars; one submission).

Submission:

Labcorp Genetics (formerly Invitae), Labcorp
Classification: Uncertain significance. Last evaluated: 2022-06-22. Review status: criteria provided, single submitter. Criteria: Invitae Variant Classification Sherloc (09022015). Collection method: clinical testing. Allele origin: germline.
Comment: In summary, the available evidence is currently insufficient to determine the role of this variant in disease. Therefore, it has been classified as a Variant of Uncertain Significance. Algorithms developed to predict the effect of sequence changes on RNA splicing suggest that this variant may create or strengthen a splice site. This variant has not been reported in the literature in individuals affected with KIF23-related conditions. This variant is not present in population databases (gnomAD no frequency). This sequence change falls in intron 1 of the KIF23 gene. It does not directly change the encoded amino acid sequence of the KIF23 protein.